The following is an entry in ClinVar:

ClinVar aggregate classification (germline): Conflicting classifications of pathogenicity. Review status: criteria provided, conflicting classifications (1 of 4 stars). 2 submissions from 2 submitters: Uncertain significance (1); Likely benign (1). Last evaluated 2025-03-31.

Allele frequency attached by ClinVar (database versions not stated): gnomAD 0.00001; ExAC 0.00002.
gnomAD v4.1: 7 of 1,614,036 alleles (0.00043%); highest among the groups gnomAD compares: Non-Finnish European, 0.00059%; no homozygotes.

Submissions (2):

Labcorp Genetics (formerly Invitae), Labcorp
Classification: Uncertain significance. Last evaluated: 2025-03-31. Review status: criteria provided, single submitter. Criteria: Invitae Variant Classification Sherloc (09022015). Collection method: clinical testing. Allele origin: germline.
Comment: This sequence change replaces tryptophan, which is neutral and slightly polar, with leucine, which is neutral and non-polar, at codon 69 of the DDX58 protein (p.Trp69Leu). This variant is present in population databases (rs766805835, gnomAD 0.003%). This variant has not been reported in the literature in individuals affected with DDX58-related conditions. ClinVar contains an entry for this variant (Variation ID: 2961266). An algorithm developed to predict the effect of missense changes on protein structure and function (PolyPhen-2) suggests that this variant is likely to be disruptive. In summary, the available evidence is currently insufficient to determine the role of this variant in disease. Therefore, it has been classified as a Variant of Uncertain Significance.

Blueprint Genetics
Classification: Likely benign. Last evaluated: 2023-05-17. Review status: criteria provided, single submitter. Criteria: ACMG Guidelines, 2015. Collection method: clinical testing. Allele origin: germline.

NM_014314.4(RIGI):c.206G>T (p.Trp69Leu)

Gene: RIGI (RNA sensor RIG-I; minus strand). Cytogenetic location: 9p21.1.
Variant type: single nucleotide variant.
Coding change: c.206G>T on transcript NM_014314.4 (MANE Select); coding-DNA position 206, G replaced by T.
Protein change: p.Trp69Leu; replaces tryptophan 69 with leucine.
Molecular consequence: missense variant. On other transcripts: 5 prime UTR variant (3).
Genome position (GRCh38, 1-based): chr9:32,500,840, C>A on the plus strand (G>T on the coding strand, the complement: RIGI is on the minus strand). VCF-style: chr9-32500840-C-A. GRCh37 (hg19) VCF-style: chr9-32500838-C-A.
Other names: c.206G>T, p.Trp69Leu (NM_001385907.1, NM_001385909.1, NM_001385913.1); c.-249G>T (NM_001385910.1, NM_001385914.1); c.-256G>T (NM_001385912.1); short protein forms W69L.
Identifiers: ClinVar variation 2961266 (VCV002961266.4), dbSNP rs766805835, ClinGen allele CA5020151.